The following is an entry in ClinVar:

ClinVar aggregate classification (germline): Uncertain significance (1 of 4 stars; one submission).

Conditions:
Hereditary cancer-predisposing syndrome. Also called: Neoplastic Syndromes, Hereditary; Tumor predisposition; Hereditary Cancer Syndrome; Hereditary neoplastic syndrome. Identifiers: Orphanet 140162, MedGen C0027672, MeSH D009386, MONDO:0015356.

Submission:

Ambry Genetics
Classification: Uncertain significance for Hereditary cancer-predisposing syndrome. Last evaluated: 2025-11-24. Review status: criteria provided, single submitter. Criteria: Ambry Variant Classification Scheme 2023. Collection method: clinical testing. Allele origin: germline.
Comment: The p.D1091H variant (also known as c.3271G>C), located in coding exon 26 of the POLD1 gene, results from a G to C substitution at nucleotide position 3271. The aspartic acid at codon 1091 is replaced by histidine, an amino acid with similar properties. This amino acid position is conserved. In addition, this alteration is predicted to be tolerated by in silico analysis. Based on the available evidence, the clinical significance of this variant remains unclear.

NM_002691.4(POLD1):c.3271G>C (p.Asp1091His)

Gene: POLD1 (DNA polymerase delta 1, catalytic subunit; plus strand). Cytogenetic location: 19q13.33.
Variant type: single nucleotide variant.
Coding change: c.3271G>C on transcript NM_002691.4 (MANE Select); coding-DNA position 3271, G replaced by C.
Protein change: p.Asp1091His; replaces aspartic acid 1091 with histidine.
Molecular consequence: missense variant. On other transcripts: non-coding transcript variant (1).
Genome position (GRCh38, 1-based): chr19:50,417,894, G>C. VCF-style: chr19-50417894-G-C. GRCh37 (hg19) VCF-style: chr19-50921151-G-C.
Other names: c.3271G>C, p.Asp1091His (NM_001256849.1, NM_001438212.1, NM_001438213.1); c.3349G>C, p.Asp1117His (NM_001308632.1); c.3199G>C, p.Asp1067His (NM_001438210.1, NM_001438211.1); short protein forms D1117H, D1067H, D1091H.
Identifiers: ClinVar variation 4669394 (VCV004669394.1).